The following is an entry in ClinVar:

ClinVar aggregate classification (germline): Uncertain significance (1 of 4 stars; one submission).

Conditions:
PKD1-related disorder. Also called: PKD1-related condition.

gnomAD v4.1: 8 of 1,600,934 alleles (0.0005%); highest among the groups gnomAD compares: South Asian, 0.0033%; no homozygotes.

Submission:

PreventionGenetics, part of Exact Sciences
Classification: Uncertain significance for PKD1-related condition. Last evaluated: 2026-02-09. Review status: criteria provided, single submitter. Criteria: ACMG Guidelines, 2015. Collection method: clinical testing. Allele origin: germline.
Comment: The PKD1 c.5759G>T variant is predicted to result in the amino acid substitution p.Arg1920Leu. To our knowledge, this variant has not been reported in the literature. This variant is reported in 0.00094% of alleles in individuals of European (Non-Finnish) descent in gnomAD. At this time, the clinical significance of this variant is uncertain due to the absence of conclusive functional and genetic evidence.

NM_001009944.3(PKD1):c.5759G>T (p.Arg1920Leu)

Gene: PKD1 (polycystin 1, transient receptor potential channel interacting; minus strand). Cytogenetic location: 16p13.3.
Variant type: single nucleotide variant.
Coding change: c.5759G>T on transcript NM_001009944.3 (MANE Select); coding-DNA position 5759, G replaced by T.
Protein change: p.Arg1920Leu; replaces arginine 1920 with leucine.
Molecular consequence: missense variant.
Genome position (GRCh38, 1-based): chr16:2,109,408, C>A on the plus strand (G>T on the coding strand, the complement: PKD1 is on the minus strand). VCF-style: chr16-2109408-C-A. GRCh37 (hg19) VCF-style: chr16-2159409-C-A.
Other names: c.5759G>T, p.Arg1920Leu (NM_000296.4); short protein forms R1920L.
Identifiers: ClinVar variation 4980307 (VCV004980307.1).